The following is an entry in ClinVar:

NM_006348.5(COG5):c.292+6_292+14del

Gene: COG5 (component of oligomeric golgi complex 5; minus strand). Cytogenetic location: 7q22.3.
Variant type: Deletion.
Coding change: c.292+6_292+14del on transcript NM_006348.5 (MANE Select); bases 6 to 14 of the intron after coding-DNA position 292, 9 bases deleted (TTTCTAATA; older notation c.292+6_292+14delTTTCTAATA).
Molecular consequence: intron variant.
Genome position (GRCh38, 1-based): chr7:107,554,271-107,554,279, TATTAGAAA deleted on the plus strand (TTTCTAATA on the coding strand, the reverse complement: COG5 is on the minus strand); deleting any 9 consecutive bases within chr7:107,554,271-107,554,282 gives the same sequence; the c. name uses the placement nearest the transcript's 3' end. VCF-style (leftmost placement, unchanged base first): chr7-107554270-TTATTAGAAA-T. GRCh37 (hg19) VCF-style: chr7-107194715-TTATTAGAAA-T.
Other names: c.234+3697_234+3705del (NM_001379516.1); c.292+6_292+14del (NM_001379515.1, NM_001379511.1, NM_001379512.1 and 4 more transcripts).
Identifiers: ClinVar variation 2144189 (VCV002144189.4), dbSNP rs2535670861, ClinGen allele CA2580076140.

ClinVar aggregate classification (germline): Uncertain significance (1 of 4 stars; one submission).

Conditions:
COG5-congenital disorder of glycosylation. Also called: CDG IIi; CONGENITAL DISORDER OF GLYCOSYLATION, TYPE IIi; COG5-CDG. Identifiers: Orphanet 263487, MedGen C3150876, MONDO:0013325, OMIM 613612.

Submission:

Labcorp Genetics (formerly Invitae), Labcorp
Classification: Uncertain significance for COG5-congenital disorder of glycosylation. Last evaluated: 2022-03-25. Review status: criteria provided, single submitter. Criteria: Invitae Variant Classification Sherloc (09022015). Collection method: clinical testing. Allele origin: germline.
Comment: This sequence change falls in intron 3 of the COG5 gene. It does not directly change the encoded amino acid sequence of the COG5 protein. This variant is not present in population databases (gnomAD no frequency). This variant has not been reported in the literature in individuals affected with COG5-related conditions. Algorithms developed to predict the effect of sequence changes on RNA splicing suggest that this variant may create or strengthen a splice site. In summary, the available evidence is currently insufficient to determine the role of this variant in disease. Therefore, it has been classified as a Variant of Uncertain Significance.